The following is an entry in ClinVar:

ClinVar aggregate classification (germline): Likely benign (1 of 4 stars; one submission).

Allele frequency attached by ClinVar (database versions not stated): gnomAD exomes 0.00006; ExAC 0.00013; gnomAD 0.00038.
gnomAD v4.1: 110 of 1,196,814 alleles (0.0092%); highest among the groups gnomAD compares: African/African-American, 0.13%; 25 homozygotes.

Submission:

CeGaT Center for Human Genetics Tuebingen
Classification: Likely benign. Last evaluated: 2023-08-01. Review status: criteria provided, single submitter. Criteria: CeGaT Center For Human Genetics Tuebingen Variant Classification Criteria Version 2. Collection method: clinical testing. Allele origin: germline. Affected: yes. Observed: 1 variant allele.
Comment: MUC4: BP4, BS2

NM_018406.7(MUC4):c.12279C>T (p.His4093=)

Genes: MUC4 (mucin 4, cell surface associated), LOC126806930 (BRD4-independent group 4 enhancer GRCh37_chr3:195505212-195506411). Cytogenetic location: 3q29.
Variant type: single nucleotide variant.
Coding change: c.12279C>T on transcript NM_018406.7 (MANE Select); coding-DNA position 12279, C replaced by T.
Protein change: p.His4093=; no amino-acid change (histidine 4093 retained).
Molecular consequence: synonymous variant. On other transcripts: genic upstream transcript variant (2).
Genome position (GRCh38, 1-based): chr3:195,779,301, G>A on the plus strand (C>T on the coding strand, the complement: MUC4 is on the minus strand). VCF-style: chr3-195779301-G-A. GRCh37 (hg19) VCF-style: chr3-195506172-G-A.
Other names: c.17577C>T, p.His5859= (NM_001322468.1); c.83-4996C>T (NM_138297.5); c.83-846C>T (NM_004532.6).
Identifiers: ClinVar variation 2654385 (VCV002654385.24), dbSNP rs866027921, ClinGen allele CA2768892.